The following is an entry in ClinVar:

ClinVar aggregate classification (germline): Uncertain significance (1 of 4 stars; one submission).

Conditions:
Familial cancer of breast. Also called: Hereditary breast cancer; hereditary breast carcinoma; BREAST CANCER, FAMILIAL. Identifiers: Orphanet 227535, MedGen C0346153, MONDO:0016419, OMIM 114480. Disease mechanism: loss of function.

Submission:

Labcorp Genetics (formerly Invitae), Labcorp
Classification: Uncertain significance for Familial cancer of breast. Last evaluated: 2025-04-14. Review status: criteria provided, single submitter. Criteria: Invitae Variant Classification Sherloc (09022015). Collection method: clinical testing. Allele origin: germline.
Comment: This sequence change replaces lysine, which is basic and polar, with threonine, which is neutral and polar, at codon 517 of the PALB2 protein (p.Lys517Thr). This variant is not present in population databases (gnomAD no frequency). This variant has not been reported in the literature in individuals affected with PALB2-related conditions. Invitae Evidence Modeling of protein sequence and biophysical properties (such as structural, functional, and spatial information, amino acid conservation, physicochemical variation, residue mobility, and thermodynamic stability) indicates that this missense variant is expected to disrupt PALB2 protein function with a positive predictive value of 80%. In summary, the available evidence is currently insufficient to determine the role of this variant in disease. Therefore, it has been classified as a Variant of Uncertain Significance.

NM_024675.4(PALB2):c.1550A>C (p.Lys517Thr)

Gene: PALB2 (partner and localizer of BRCA2; minus strand). Cytogenetic location: 16p12.2.
Variant type: single nucleotide variant.
Coding change: c.1550A>C on transcript NM_024675.4 (MANE Select); coding-DNA position 1550, A replaced by C.
Protein change: p.Lys517Thr; replaces lysine 517 with threonine.
Molecular consequence: missense variant. On other transcripts: intron variant (3).
Genome position (GRCh38, 1-based): chr16:23,634,996, T>G on the plus strand (A>C on the coding strand, the complement: PALB2 is on the minus strand). VCF-style: chr16-23634996-T-G. GRCh37 (hg19) VCF-style: chr16-23646317-T-G.
Other names: c.1490A>C, p.Lys497Thr (NM_001407296.1); c.1550A>C, p.Lys517Thr (NM_001407297.1, NM_001407298.1, NM_001407299.1 and 3 more transcripts); c.665A>C, p.Lys222Thr (NM_001407304.1, NM_001407305.1, NM_001407306.1 and 5 more transcripts); c.49-5721A>C (NM_001407314.1); c.-104-4527A>C (NM_001407313.1, NM_001407312.1); short protein forms K222T, K497T, K517T.
Identifiers: ClinVar variation 4749776 (VCV004749776.1).